The following is an entry in ClinVar:

NM_000257.4(MYH7):c.2711G>A (p.Arg904His)

Gene: MYH7 (myosin heavy chain 7; minus strand). Cytogenetic location: 14q11.2.
Variant type: single nucleotide variant.
Coding change: c.2711G>A on transcript NM_000257.4 (MANE Select); coding-DNA position 2711, G replaced by A.
Protein change: p.Arg904His; replaces arginine 904 with histidine.
Molecular consequence: missense variant.
Genome position (GRCh38, 1-based): chr14:23,424,118, C>T on the plus strand (G>A on the coding strand, the complement: MYH7 is on the minus strand). VCF-style: chr14-23424118-C-T. GRCh37 (hg19) VCF-style: chr14-23893327-C-T.
Other names: NM_000257.4(MYH7):c.2711G>A; short protein forms R904H.
Identifiers: ClinVar variation 42926 (VCV000042926.34), dbSNP rs397516165, ClinGen allele CA012913.
Genomic context (GRCh38, chr14:23,424,118, plus strand): 5'-TCGTTCATCTCCTTCACCTTGGCCTCCAGCTGAATCTTGTTTTTGATCAGCTGATCACAG[C>T]GCTCCTCAGCATCTGCCAGGTTGTCTTGTTCCTGAAGGTGAGGAACAGAGGGGAGGCTGT-3'
Protein context (NP_000248.2, residues 894-914): EQDNLADAEE[Arg904His]CDQLIKNKIQ

ClinVar aggregate classification (germline): Pathogenic. Review status: reviewed by expert panel (3 of 4 stars). 16 submissions from 16 submitters: Pathogenic (1). 15 of the submissions do not count toward it. Last evaluated 2021-09-27.

Conditions:
MYH7-related disorder. Also called: MYH7-related disorders; MYH7-related condition; MYH7-related disease.
Cardiovascular phenotype. Identifiers: MedGen CN230736.
Cardiomyopathy (CMYO). Also called: Cardiomyopathies. Identifiers: Orphanet 167848, MedGen C0878544, MONDO:0004994, HP:0001638. Inheritance: Various modes of inheritance.
Dilated cardiomyopathy 1S (CMD1S). Identifiers: Orphanet 154, Orphanet 54260, MedGen C1834481, MONDO:0013262, OMIM 613426.
Primary dilated cardiomyopathy (DCM). Also called: Dilated Cardiomyopathy. Identifiers: Orphanet 217604, MedGen C0007193, MeSH D002311, MONDO:0005021, HP:0001644. Inheritance: Various modes of inheritance.
Primary familial dilated cardiomyopathy (FDC). Also called: Familial dilated cardiomyopathy; Hypokinetic dilated cardiomyopathy, familial. Identifiers: Orphanet 217607, MedGen C0340427, MONDO:0016333.
Hypertrophic cardiomyopathy. Also called: HYPERTROPHIC MYOCARDIOPATHY. Identifiers: Orphanet 217569, MedGen C0007194, MeSH D002312, MONDO:0005045, HP:0001639.

Allele frequency attached by ClinVar (database versions not stated): gnomAD exomes below 0.00001.
gnomAD v4.1: 1 of 1,614,180 alleles (0.000062%); highest among the groups gnomAD compares: Non-Finnish European, 0.000085%; no homozygotes.

Submissions 1 to 7 of 16:

ClinGen Cardiomyopathy Variant Curation Expert Panel
Classification: Pathogenic for Primary dilated cardiomyopathy. Last evaluated: 2021-09-27. Review status: reviewed by expert panel. Criteria: ClinGen CMP ACMG Specifications v1. Collection method: curation. Allele origin: germline. Inheritance: Autosomal dominant inheritance.
Comment: The NM_000257.4(MYH7):c.2711G>A (p.Arg904His) variant has been identified in at least 14 individuals with DCM in the literature (PS4; Waldmüller 2011 PMID:21750094; Lakdawala 2012 PMID:22464770; Pugh 2014 PMID:24503780; Chami 2014 PMID:25448463; Walsh 2017 PMID:27532257; Gigli 2019 PMID:31514951; Ambry pers. comm.; GeneDx pers. comm.; Invitae pers. comm.). In 3 of theses cases, the variant was identified as an unconfirmed de novo occurrence (PM6_Strong; Lakdawala 2012 PMID:22464770; GeneDx pers. comm.; OMGL pers. comm.). This variant also segregated with disease in 7 affected individuals with DCM across 4 families (PP1_Strong; Chami 2014 PMID:25448463; GeneDx pers. comm.; OMGL pers. comm.). This variant was absent from large population studies (PM2; gnomAD v2.1.1). While this variant lies in the head region of the protein (aa 181-937), where missense variants are statistically more likely to be associated with HCM (Walsh 2017 PMID:27532257), location in this region cannot be used to support pathogenicity for other phenotypes; therefore PM1 is not applicable. Finally, computational prediction tools and conservation analysis suggest that this variant may impact the protein (PP3). In summary, this variant meets criteria to be classified as pathogenic for dilated cardiomyopathy (DCM) in an autosomal dominant manner. MYH7-specific ACMG/AMP criteria applied (Kelly 2018 PMID:29300372): PS4, PM6_Strong, PP1_Strong, PM2, PP3.

3billion
Classification: Pathogenic for Dilated cardiomyopathy 1S. Last evaluated: 2025-07-09. Review status: criteria provided, single submitter. Criteria: ACMG Guidelines, 2015. Collection method: clinical testing. Allele origin: germline. Affected: yes. Not counted in ClinVar's aggregate classification.
Comment: The variant is observed at an extremely low frequency in the gnomAD v4.1.0 dataset (total allele frequency: <0.001%). Predicted Consequence/Location: The variant is located in a mutational hot spot and/or well-established functional domain in which established pathogenic variants have been reported (PMID: 29300372). In silico tool predictions suggest damaging effect of the variant on gene or gene product [REVEL: 0.83 (>=0.6, sensitivity 0.68 and specificity 0.92); 3Cnet: 0.88 (> 0.75, sensitivity 0.96 and precision 0.92)]. The same nucleotide change resulting in the same amino acid change has been previously reported as pathogenic/likely pathogenic with strong evidence (ClinVar ID: VCV000042926 /PMID: 21750094). Different missense changes at the same codon (p.Arg904Cys, p.Arg904Gly, p.Arg904Leu, p.Arg904Pro, p.Arg904Ser) have been reported as pathogenic/likely pathogenic with strong evidence (ClinVar ID: VCV000164316, VCV000454361, VCV001329406, VCV001879271, VCV002793440 /PMID: 20573160). Therefore, this variant is classified as Pathogenic according to the recommendation of ACMG/AMP guideline.

Labcorp Genetics (formerly Invitae), Labcorp
Classification: Pathogenic for Hypertrophic cardiomyopathy. Last evaluated: 2025-06-29. Review status: criteria provided, single submitter. Criteria: Invitae Variant Classification Sherloc (09022015). Collection method: clinical testing. Allele origin: germline. Not counted in ClinVar's aggregate classification.
Comment: This sequence change replaces arginine, which is basic and polar, with histidine, which is basic and polar, at codon 904 of the MYH7 protein (p.Arg904His). This variant is not present in population databases (gnomAD no frequency). This missense change has been observed in individual(s) with hypertrophic cardiomyopathy and dilated cardiomyopathy (PMID: 21750094, 22464770, 25448463, 27532257; internal data). In at least one individual the variant was observed to be de novo. ClinVar contains an entry for this variant (Variation ID: 42926). Invitae Evidence Modeling of protein sequence and biophysical properties (such as structural, functional, and spatial information, amino acid conservation, physicochemical variation, residue mobility, and thermodynamic stability) indicates that this missense variant is expected to disrupt MYH7 protein function with a positive predictive value of 95%. This variant is found within a region of MYH7 between codons 181 and 937 that contains the majority of the myosin head domain. Missense variants in this region have been shown to be significantly overrepresented in individuals with hypertrophic cardiomyopathy (PMID: 27532257). For these reasons, this variant has been classified as Pathogenic.

Institute of Immunology and Genetics Kaiserslautern
Classification: Pathogenic for Dilated cardiomyopathy 1S. Last evaluated: 2024-06-27. Review status: criteria provided, single submitter. Criteria: ACMG Guidelines, 2015. Collection method: clinical testing. Allele origin: germline. Not counted in ClinVar's aggregate classification.
Comment: ACMG Criteria: PS4, PM2_P, PM5, PP1, PP3, PP5; Variant was found in heterozygous state

Blueprint Genetics
Classification: Pathogenic for MYH7-related disorders. Last evaluated: 2024-04-18. Review status: criteria provided, single submitter. Criteria: ACMG Guidelines, 2015. Collection method: clinical testing. Allele origin: germline. Affected: yes. Observed: 2 variant alleles. Not counted in ClinVar's aggregate classification.

All of Us Research Program, National Institutes of Health
Classification: Pathogenic for Primary dilated cardiomyopathy. Last evaluated: 2023-12-15. Review status: criteria provided, single submitter. Criteria: ACMG Guidelines, 2015. Collection method: clinical testing. Allele origin: germline. Inheritance: Autosomal dominant inheritance. Observed: 1 variant allele, 1 heterozygote. Not counted in ClinVar's aggregate classification.
Comment: This variant has been reported in multiple individuals with dilated cardiomyopathy (PMID: 21750094, 22464770, 24503780, 25448463, 27532257, 31514951). It was reported to occur de novo in multiple affected individuals, though parentage was not confirmed (PMID: 22464770). This variant has been reported to co-segregate with disease in four families (PMID: 25448463). This variant is absent from large population databases, including the Genome Aggregation Database. It is predicted to be deleterious by in silico analysis.

This study involves interpretation of variants in research participants for the purpose of population health screening. Participant phenotype was not available at the time of variant classification. Additional details can be found in publication PMID: 35346344, PMCID: PMC8962531

Victorian Clinical Genetics Services, Murdoch Childrens Research Institute
Classification: Pathogenic for Dilated cardiomyopathy 1S. Last evaluated: 2023-07-17. Review status: criteria provided, single submitter. Criteria: ACMG Guidelines, 2015. Collection method: clinical testing. Allele origin: germline. Inheritance: Autosomal dominant inheritance. Affected: yes. Not counted in ClinVar's aggregate classification.
Comment: Based on the classification scheme VCGS_Germline_v1.3.4, this variant is classified as Pathogenic. Following criteria are met: 0105 - The mechanism of disease for this gene is not clearly established; however, missense variants have been proposed to act in a dominant negative manner (PMID: 24714796). (I) 0108 - This gene is associated with both recessive and dominant disease. Pathogenic variants in this gene are usually heterozygous; however, a recessive inheritance pattern has been observed in severe cases (OMIM). (I) 0112 - The condition associated with this gene has incomplete penetrance (PMID:29300372). (I) 0200 - Variant is predicted to result in a missense amino acid change from arginine to histidine. (I) 0251 - This variant is heterozygous. (I) 0301 - Variant is absent from gnomAD (both v2 and v3). (SP) 0501 - Missense variant consistently predicted to be damaging by multiple in silico tools or highly conserved with a major amino acid change. (SP) 0602 - Variant is located in a hotspot region or cluster of pathogenic variants. This variant is found within the head region, which is enriched with pathogenic missense variants (PMID: 29300372). (SP) 0801 - This variant has strong previous evidence of pathogenicity in unrelated individuals. This variant has been reported in at least ten unrelated individuals with DCM, with both a de novo case and segregation within families reported (ClinVar, PMID:25448463, PMID:34935411, PMID:22464770). (SP) 1208 - Inheritance information for this variant is not currently available in this individual. (I) Legend: (SP) - Supporting pathogenic, (I) - Information, (SB) - Supporting benign